The following is an entry in ClinVar:

ClinVar aggregate classification (germline): Uncertain significance (1 of 4 stars; one submission).

Submission:

Labcorp Genetics (formerly Invitae), Labcorp
Classification: Uncertain significance. Last evaluated: 2024-03-16. Review status: criteria provided, single submitter. Criteria: Invitae Variant Classification Sherloc (09022015). Collection method: clinical testing. Allele origin: germline.
Comment: This sequence change replaces isoleucine, which is neutral and non-polar, with methionine, which is neutral and non-polar, at codon 425 of the ARCN1 protein (p.Ile425Met). This variant is present in population databases (no rsID available, gnomAD 0.0009%). This variant has not been reported in the literature in individuals affected with ARCN1-related conditions. ClinVar contains an entry for this variant (Variation ID: 2169986). An algorithm developed to predict the effect of missense changes on protein structure and function (PolyPhen-2) suggests that this variant is likely to be tolerated. In summary, the available evidence is currently insufficient to determine the role of this variant in disease. Therefore, it has been classified as a Variant of Uncertain Significance.

NM_001655.5(ARCN1):c.1275C>G (p.Ile425Met)

Gene: ARCN1 (archain 1 coat protein complex I subunit delta; plus strand). Cytogenetic location: 11q23.3.
Variant type: single nucleotide variant.
Coding change: c.1275C>G on transcript NM_001655.5 (MANE Select); coding-DNA position 1275, C replaced by G.
Protein change: p.Ile425Met; replaces isoleucine 425 with methionine.
Molecular consequence: missense variant.
Genome position (GRCh38, 1-based): chr11:118,597,740, C>G. VCF-style: chr11-118597740-C-G. GRCh37 (hg19) VCF-style: chr11-118468455-C-G.
Other names: c.1011C>G, p.Ile337Met (NM_001142281.2); short protein forms I337M, I425M.
Identifiers: ClinVar variation 2169986 (VCV002169986.4), dbSNP rs782201444, ClinGen allele CA382816863.